The following is an entry in ClinVar:

NM_000634.3(CXCR1):c.633C>A (p.Phe211Leu)

Gene: CXCR1 (C-X-C motif chemokine receptor 1; minus strand). Cytogenetic location: 2q35.
Variant type: single nucleotide variant.
Coding change: c.633C>A on transcript NM_000634.3 (MANE Select); coding-DNA position 633, C replaced by A.
Protein change: p.Phe211Leu; replaces phenylalanine 211 with leucine.
Molecular consequence: missense variant.
Genome position (GRCh38, 1-based): chr2:218,164,579, G>T on the plus strand (C>A on the coding strand, the complement: CXCR1 is on the minus strand). VCF-style: chr2-218164579-G-T. GRCh37 (hg19) VCF-style: chr2-219029302-G-T.
Other names: short protein forms F211L.
Identifiers: ClinVar variation 708307 (VCV000708307.5), dbSNP rs142076386, ClinGen allele CA2101975.

ClinVar aggregate classification (germline): Benign. Review status: criteria provided, single submitter (1 of 4 stars). 2 submissions from 2 submitters: Benign (1). 1 of the submissions does not count toward it. Last evaluated 2018-05-03.

Conditions:
CXCR1-related disorder. Also called: CXCR1-related condition.

Allele frequency attached by ClinVar (database versions not stated): gnomAD 0.00007 and 0.00190; ESP Exome Variant Server 0.00008; TOPMed 0.00012; gnomAD exomes 0.00347 and 0.00733; ExAC 0.00864; 1000 Genomes Project 30x 0.01593; 1000 Genomes Project 0.01657.
gnomAD v4.1: 5,390 of 1,614,240 alleles (0.33%); highest among the groups gnomAD compares: South Asian, 5.5%; 181 homozygotes.

Submissions (2):

Labcorp Genetics (formerly Invitae), Labcorp
Classification: Benign. Last evaluated: 2018-05-03. Review status: criteria provided, single submitter. Criteria: Invitae Variant Classification Sherloc (09022015). Collection method: clinical testing. Allele origin: germline.

PreventionGenetics, part of Exact Sciences
Classification: Benign for CXCR1-related condition. Last evaluated: 2019-10-15. Review status: no assertion criteria provided. Collection method: clinical testing. Allele origin: germline. Not counted in ClinVar's aggregate classification.
Comment: This variant is classified as benign based on ACMG/AMP sequence variant interpretation guidelines (Richards et al. 2015 PMID: 25741868, with internal and published modifications).